The following is an entry in ClinVar:

ClinVar aggregate classification (germline): Uncertain significance. Review status: criteria provided, multiple submitters, no conflicts (2 of 4 stars). 5 submissions from 5 submitters: Uncertain significance (5). Last evaluated 2025-12-13.

Conditions:
Waardenburg syndrome type 2A (WS2A). Also called: WAARDENBURG SYNDROME WITHOUT DYSTOPIA CANTHORUM. Identifiers: Orphanet 3440, MedGen C1860339, MONDO:0008671, OMIM 193510.
Tietz syndrome (TADS). Also called: TIETZ ALBINISM-DEAFNESS SYNDROME; HYPOPIGMENTATION/DEAFNESS OF TIETZ; ALBINISM-DEAFNESS OF TIETZ. Identifiers: Orphanet 42665, MedGen C0391816, MONDO:0007077, OMIM 103500.
Melanoma, cutaneous malignant, susceptibility to, 8. Also called: MELANOMA AND RENAL CELL CARCINOMA, SUSCEPTIBILITY TO; Cutaneous malignant melanoma 8. Identifiers: Orphanet 293822, MedGen C3152204, MONDO:0013759, OMIM 614456.
Hereditary cancer-predisposing syndrome. Also called: Hereditary neoplastic syndrome; Tumor predisposition; Neoplastic Syndromes, Hereditary; Hereditary Cancer Syndrome. Identifiers: Orphanet 140162, MedGen C0027672, MeSH D009386, MONDO:0015356.

Allele frequency attached by ClinVar (database versions not stated): gnomAD exomes 0.00001 and 0.00002; ExAC 0.00002; TOPMed 0.00005; gnomAD 0.00007 and 0.00008.
gnomAD v4.1: 28 of 1,613,746 alleles (0.0017%); highest among the groups gnomAD compares: Middle Eastern, 0.016%; no homozygotes.

Submissions (5):

Labcorp Genetics (formerly Invitae), Labcorp
Classification: Uncertain significance for Melanoma, cutaneous malignant, susceptibility to, 8; Waardenburg syndrome type 2A; Tietz syndrome. Last evaluated: 2025-12-13. Review status: criteria provided, single submitter. Criteria: Invitae Variant Classification Sherloc (09022015). Collection method: clinical testing. Allele origin: germline.
Comment: This sequence change replaces threonine, which is neutral and polar, with methionine, which is neutral and non-polar, at codon 415 of the MITF protein (p.Thr415Met). This variant is present in population databases (rs780036017, gnomAD 0.01%). This variant has not been reported in the literature in individuals affected with MITF-related conditions. ClinVar contains an entry for this variant (Variation ID: 1696877). Invitae Evidence Modeling of protein sequence and biophysical properties (such as structural, functional, and spatial information, amino acid conservation, physicochemical variation, residue mobility, and thermodynamic stability) indicates that this missense variant is not expected to disrupt MITF protein function with a negative predictive value of 80%. In summary, the available evidence is currently insufficient to determine the role of this variant in disease. Therefore, it has been classified as a Variant of Uncertain Significance.

Ambry Genetics
Classification: Uncertain significance for Hereditary cancer-predisposing syndrome. Last evaluated: 2024-12-07. Review status: criteria provided, single submitter. Criteria: Ambry Variant Classification Scheme 2023. Collection method: clinical testing. Allele origin: germline.
Comment: The p.T415M variant (also known as c.1244C>T), located in coding exon 9 of the MITF gene, results from a C to T substitution at nucleotide position 1244. The threonine at codon 415 is replaced by methionine, an amino acid with similar properties. This amino acid position is conserved. In addition, this alteration is predicted to be tolerated by in silico analysis. Based on the available evidence, the clinical significance of this variant remains unclear.

GeneDx
Classification: Uncertain significance. Last evaluated: 2024-11-17. Review status: criteria provided, single submitter. Criteria: GeneDx Variant Classification Process June 2021. Collection method: clinical testing. Allele origin: germline. Affected: yes.
Comment: In silico analysis indicates that this missense variant does not alter protein structure/function; Observed in individuals with advanced cancer (PMID: 28873162); This variant is associated with the following publications: (PMID: 28873162)

St. Jude Molecular Pathology, St. Jude Children's Research Hospital
Classification: Uncertain significance for Melanoma, cutaneous malignant, susceptibility to, 8. Last evaluated: 2023-02-22. Review status: criteria provided, single submitter. Criteria: St. Jude Assertion Criteria 2020. Collection method: clinical testing. Allele origin: germline.
Comment: The MITF c.1547C>T (p.Thr516Met) missense change has a maximum subpopulation frequency of 0.012% in gnomAD v2.1.1. The in silico tool REVEL predicts a benign effect on protein function, but to our knowledge this prediction has not been confirmed by functional studies. To our knowledge, this variant has not been reported in individuals with melanoma and renal cell carcinoma. In summary, the evidence currently available is insufficient to determine the clinical significance of this variant. It has therefore been classified as of uncertain significance.

Mayo Clinic Laboratories, Mayo Clinic
Classification: Uncertain significance. Last evaluated: 2022-09-06. Review status: criteria provided, single submitter. Criteria: ACMG Guidelines, 2015. Collection method: clinical testing. Allele origin: germline. Observed: 1 variant allele.
Comment: PM2

NM_001354604.2(MITF):c.1565C>T (p.Thr522Met)

Gene: MITF (melanocyte inducing transcription factor; plus strand). Cytogenetic location: 3p13.
Variant type: single nucleotide variant.
Coding change: c.1565C>T on transcript NM_001354604.2 (MANE Select); coding-DNA position 1565, C replaced by T.
Protein change: p.Thr522Met; replaces threonine 522 with methionine.
Molecular consequence: missense variant.
Genome position (GRCh38, 1-based): chr3:69,965,232, C>T. VCF-style: chr3-69965232-C-T. GRCh37 (hg19) VCF-style: chr3-70014383-C-T.
Other names: p.Thr415Met; c.1244C>T, p.Thr415Met (NM_000248.4); c.1391C>T, p.Thr464Met (NM_001184967.2, NM_001354608.2); c.1562C>T, p.Thr521Met (NM_001354605.2); c.1544C>T, p.Thr515Met (NM_001354606.2, NM_006722.3); c.1496C>T, p.Thr499Met (NM_001354607.2); c.1226C>T, p.Thr409Met (NM_198158.3); c.1547C>T, p.Thr516Met (NM_198159.3); and 2 more; short protein forms T353M, T409M, T415M, T464M, T499M, T500M, T515M, T516M.
Identifiers: ClinVar variation 1696877 (VCV001696877.10), dbSNP rs780036017, ClinGen allele CA2490698.